The following is an entry in ClinVar:

NM_000038.6(APC):c.245T>C (p.Phe82Ser)

Gene: APC (APC regulator of Wnt signaling pathway; plus strand). Cytogenetic location: 5q22.2.
Variant type: single nucleotide variant.
Coding change: c.245T>C on transcript NM_000038.6 (MANE Select); coding-DNA position 245, T replaced by C.
Protein change: p.Phe82Ser; replaces phenylalanine 82 with serine.
Molecular consequence: missense variant. On other transcripts: 5 prime UTR variant (1).
Genome position (GRCh38, 1-based): chr5:112,767,213, T>C. VCF-style: chr5-112767213-T-C. GRCh37 (hg19) VCF-style: chr5-112102910-T-C.
Other names: c.245T>C, p.Phe82Ser (NM_001127510.3, NM_001354895.2, NM_001354896.2 and 2 more transcripts); c.275T>C, p.Phe92Ser (NM_001127511.3, NM_001354897.2, NM_001354902.2); c.170T>C, p.Phe57Ser (NM_001354898.2, NM_001354904.2); c.68T>C, p.Phe23Ser (NM_001354900.2, NM_001354901.2, NM_001354905.2); c.-791T>C (NM_001354906.2); short protein forms F82S, F92S, F23S, F57S.
Identifiers: ClinVar variation 487028 (VCV000487028.16), dbSNP rs1179254201, ClinGen allele CA16021881.
Genomic context (GRCh38, chr5:112,767,213, plus strand): 5'-AATTGTTGTATAAAAACTTGTTTCTATTTTATTTAGAGCTTAACTTAGATAGCAGTAATT[T>C]CCCTGGAGTAAAACTGCGGTCAAAAATGTCCCTCCGTTCTTATGGAAGCCGGGAAGGATC-3'
Protein context (NP_000029.2, residues 72-92): LKELNLDSSN[Phe82Ser]PGVKLRSKMS

ClinVar aggregate classification (germline): Uncertain significance. Review status: criteria provided, multiple submitters, no conflicts (2 of 4 stars). 4 submissions from 4 submitters: Uncertain significance (4). Last evaluated 2025-08-19.

Conditions:
Hereditary cancer-predisposing syndrome. Also called: Tumor predisposition; Hereditary Cancer Syndrome; Hereditary neoplastic syndrome; Neoplastic Syndromes, Hereditary. Identifiers: Orphanet 140162, MedGen C0027672, MeSH D009386, MONDO:0015356.
Familial adenomatous polyposis 1 (FAP1). Also called: FAMILIAL ADENOMATOUS POLYPOSIS 1, ATTENUATED; POLYPOSIS, ADENOMATOUS INTESTINAL. Identifiers: MedGen C2713442, MONDO:0021056, OMIM 175100. Disease mechanism: loss of function.
Desmoid disease, hereditary (DESMD). Also called: FIBROMATOSIS, FAMILIAL INFILTRATIVE. Identifiers: Orphanet 873, MedGen C1851124, OMIM 135290. Disease mechanism: loss of function.

Allele frequency attached by ClinVar (database versions not stated): gnomAD exomes below 0.00001; TOPMed below 0.00001.

Submissions (4):

Ambry Genetics
Classification: Uncertain significance for Hereditary cancer-predisposing syndrome. Last evaluated: 2025-08-19. Review status: criteria provided, single submitter. Criteria: Ambry Variant Classification Scheme 2023. Collection method: clinical testing. Allele origin: germline.
Comment: The p.F82S variant (also known as c.245T>C), located in coding exon 3 of the APC gene, results from a T to C substitution at nucleotide position 245. The phenylalanine at codon 82 is replaced by serine, an amino acid with highly dissimilar properties. This amino acid position is highly conserved in available vertebrate species. In addition, in silico predictors for this gene do not accurately predict pathogenicity. Missense alterations in APC are not a common cause of disease (Spier I et al. Genet Med. 2024 Feb;26(2):100992). Since supporting evidence is limited at this time, the clinical significance of this alteration remains unclear.

Labcorp Genetics (formerly Invitae), Labcorp
Classification: Uncertain significance for Familial adenomatous polyposis 1. Last evaluated: 2025-06-25. Review status: criteria provided, single submitter. Criteria: Invitae Variant Classification Sherloc (09022015). Collection method: clinical testing. Allele origin: germline.
Comment: This sequence change replaces phenylalanine, which is neutral and non-polar, with serine, which is neutral and polar, at codon 82 of the APC protein (p.Phe82Ser). This variant is present in population databases (no rsID available, gnomAD 0.003%). This variant has not been reported in the literature in individuals affected with APC-related conditions. ClinVar contains an entry for this variant (Variation ID: 487028). Invitae Evidence Modeling of protein sequence and biophysical properties (such as structural, functional, and spatial information, amino acid conservation, physicochemical variation, residue mobility, and thermodynamic stability) indicates that this missense variant is not expected to disrupt APC protein function with a negative predictive value of 95%. In summary, the available evidence is currently insufficient to determine the role of this variant in disease. Therefore, it has been classified as a Variant of Uncertain Significance.

Quest Diagnostics Nichols Institute San Juan Capistrano
Classification: Uncertain significance. Last evaluated: 2023-10-23. Review status: criteria provided, single submitter. Criteria: Quest Diagnostics criteria. Collection method: clinical testing. Allele origin: unknown.
Comment: The APC c.245T>C (p.Phe82Ser) variant has not been reported in individuals with APC-related conditions in the published literature. The frequency of this variant in the general population, 0.000029 (1/34586 chromosomes (Genome Aggregation Database)), is uninformative in the assessment of its pathogenicity. Analysis of this variant using bioinformatics tools for the prediction of the effect of amino acid changes on protein structure and function yielded conflicting predictions that this variant is deleterious or benign. Based on the available information, we are unable to determine the clinical significance of this variant.

Baylor Genetics
Classification: Uncertain significance for Desmoid disease, hereditary. Last evaluated: 2019-07-05. Review status: criteria provided, single submitter. Criteria: ACMG Guidelines, 2015. Collection method: clinical testing. Allele origin: unknown. Affected: yes. Study: CSER-TexasKidsCanSeq.
Comment: This variant was determined to be of uncertain significance according to ACMG Guidelines, 2015 [PMID:25741868].